The following is an entry in ClinVar:

ClinVar aggregate classification (germline): Benign (0 of 4 stars; one submission).

Conditions:
DACT1-related disorder. Also called: DACT1-related condition.

Allele frequency attached by ClinVar (database versions not stated): gnomAD exomes 0.00225; ExAC 0.01286; ESP Exome Variant Server 0.02326; gnomAD 0.02389; TOPMed 0.02653; 1000 Genomes Project 0.02835; 1000 Genomes Project 30x 0.02951.
gnomAD v4.1: 6,941 of 1,558,266 alleles (0.45%); highest among the groups gnomAD compares: African/African-American, 8.3%; 273 homozygotes.

Submission:

PreventionGenetics, part of Exact Sciences
Classification: Benign for DACT1-related condition. Last evaluated: 2020-02-18. Review status: no assertion criteria provided. Collection method: clinical testing. Allele origin: germline.
Comment: This variant is classified as benign based on ACMG/AMP sequence variant interpretation guidelines (Richards et al. 2015 PMID: 25741868, with internal and published modifications).

NM_001079520.2(DACT1):c.1771T>G (p.Ser591Ala)

Gene: DACT1 (dishevelled binding antagonist of beta catenin 1; plus strand). Cytogenetic location: 14q23.1.
Variant type: single nucleotide variant.
Coding change: c.1771T>G on transcript NM_001079520.2 (MANE Select); coding-DNA position 1771, T replaced by G.
Protein change: p.Ser591Ala; replaces serine 591 with alanine.
Molecular consequence: missense variant. On other transcripts: non-coding transcript variant (5).
Genome position (GRCh38, 1-based): chr14:58,646,505, T>G. VCF-style: chr14-58646505-T-G. GRCh37 (hg19) VCF-style: chr14-59113223-T-G.
Other names: c.1882T>G, p.Ser628Ala (NM_016651.6); short protein forms S591A, S628A.
Identifiers: ClinVar variation 3037405 (VCV003037405.2), dbSNP rs17094821, ClinGen allele CA7206893.